The following is an entry in ClinVar:

ClinVar aggregate classification (germline): Uncertain significance (1 of 4 stars; one submission).

Allele frequency attached by ClinVar (database versions not stated): gnomAD 0.00001; TOPMed 0.00002.

Submission:

GeneDx
Classification: Uncertain significance. Last evaluated: 2022-01-13. Review status: criteria provided, single submitter. Criteria: GeneDx Variant Classification Process June 2021. Collection method: clinical testing. Allele origin: germline. Affected: yes.
Comment: In silico analysis supports that this missense variant does not alter protein structure/function; Has not been previously published as pathogenic or benign to our knowledge

NM_014159.7(SETD2):c.473C>T (p.Ala158Val)

Gene: SETD2 (SET domain containing 2, histone lysine methyltransferase; minus strand). Cytogenetic location: 3p21.31.
Variant type: single nucleotide variant.
Coding change: c.473C>T on transcript NM_014159.7 (MANE Select); coding-DNA position 473, C replaced by T.
Protein change: p.Ala158Val; replaces alanine 158 with valine.
Molecular consequence: missense variant. On other transcripts: non-coding transcript variant (1).
Genome position (GRCh38, 1-based): chr3:47,124,163, G>A on the plus strand (C>T on the coding strand, the complement: SETD2 is on the minus strand). VCF-style: chr3-47124163-G-A. GRCh37 (hg19) VCF-style: chr3-47165653-G-A.
Other names: c.341C>T, p.Ala114Val (NM_001349370.3); short protein forms A114V, A158V.
Identifiers: ClinVar variation 1696993 (VCV001696993.2), dbSNP rs994824638, ClinGen allele CA73812282.
Genomic context (GRCh38, chr3:47,124,163, plus strand): 5'-GCTATCACTGCTGGTAATGGTGCTGCATGAGTAGGTGGAGATGCTACTGCTGTGGTAGTA[G>A]CCAGCAGTGGCCTGGATGTTACATGAAGCAGATGTTTCTTAAAATGAATTTTGCCCAATT-3'
Protein context (NP_054878.5, residues 148-168): LLHVTSRPLL[Ala158Val]TTTAVASPPT